The following is an entry in ClinVar:

ClinVar aggregate classification (germline): Uncertain significance (1 of 4 stars; one submission).

Conditions:
Muscular dystrophy-dystroglycanopathy type B6 (MDDGB6). Also called: MUSCULAR DYSTROPHY-DYSTROGLYCANOPATHY (CONGENITAL WITH IMPAIRED INTELLECTUAL DEVELOPMENT), TYPE B, 6; MUSCULAR DYSTROPHY, CONGENITAL, LARGE-RELATED; MUSCULAR DYSTROPHY, CONGENITAL, TYPE 1D. Identifiers: MedGen C1837229, MONDO:0012138, OMIM 608840.

Submission:

Labcorp Genetics (formerly Invitae), Labcorp
Classification: Uncertain significance for Muscular dystrophy-dystroglycanopathy type B6. Last evaluated: 2024-02-09. Review status: criteria provided, single submitter. Criteria: Invitae Variant Classification Sherloc (09022015). Collection method: clinical testing. Allele origin: germline.
Comment: This sequence change replaces glutamic acid, which is acidic and polar, with valine, which is neutral and non-polar, at codon 125 of the LARGE1 protein (p.Glu125Val). This variant is not present in population databases (gnomAD no frequency). This variant has not been reported in the literature in individuals affected with LARGE1-related conditions. Advanced modeling of protein sequence and biophysical properties (such as structural, functional, and spatial information, amino acid conservation, physicochemical variation, residue mobility, and thermodynamic stability) performed at Invitae indicates that this missense variant is not expected to disrupt LARGE1 protein function with a negative predictive value of 80%. In summary, the available evidence is currently insufficient to determine the role of this variant in disease. Therefore, it has been classified as a Variant of Uncertain Significance.

NM_133642.5(LARGE1):c.374A>T (p.Glu125Val)

Gene: LARGE1 (LARGE xylosyl- and glucuronyltransferase 1; minus strand). Cytogenetic location: 22q12.3.
Variant type: single nucleotide variant.
Coding change: c.374A>T on transcript NM_133642.5 (MANE Select); coding-DNA position 374, A replaced by T.
Protein change: p.Glu125Val; replaces glutamic acid 125 with valine.
Molecular consequence: missense variant.
Genome position (GRCh38, 1-based): chr22:33,650,401, T>A on the plus strand (A>T on the coding strand, the complement: LARGE1 is on the minus strand). VCF-style: chr22-33650401-T-A. GRCh37 (hg19) VCF-style: chr22-34046387-T-A.
Other names: c.374A>T, p.Glu125Val (NM_001362949.2, NM_001362951.2, NM_001362953.2 and 7 more transcripts); short protein forms E125V.
Identifiers: ClinVar variation 2798927 (VCV002798927.3), dbSNP rs2519151798, ClinGen allele CA411546068.